The following is an entry in ClinVar:

NR_033294.2(SNORD118):n.45A>G

Genes: SNORD118 (small nucleolar RNA, C/D box 118; minus strand), TMEM107 (transmembrane protein 107; minus strand). Cytogenetic location: 17p13.1.
Variant type: single nucleotide variant.
Molecular consequence: non-coding transcript variant (on NR_033294.2). On other transcripts: 3 prime UTR variant (5).
Genome position: GRCh38 VCF-style: chr17-8173544-T-C. GRCh37 (hg19) VCF-style: chr17-8076862-T-C.
Other names: c.*659A>G (NM_001351278.2, NM_001351279.2, NM_001351280.2 and 2 more transcripts).
Identifiers: ClinVar variation 1521936 (VCV001521936.5), dbSNP rs143605147, ClinGen allele CA8370744.
Genomic context (GRCh38, chr17:8,173,544, plus strand): 5'-TCCTGATTACGCAGAGACGTTAATCACGTTTCATGCATCTCCAATCATCATGTTCTAATC[T>C]GCCCTCCGGAGGAGGAACAGGTAAGGATTATCCCACCTGACGATACAGACAAACAGCCGA-3'

ClinVar aggregate classification (germline): Uncertain significance. Review status: criteria provided, multiple submitters, no conflicts (2 of 4 stars). 2 submissions from 2 submitters: Uncertain significance (2). Last evaluated 2026-07-29.

Conditions:
SNORD118-related condition.

Allele frequency attached by ClinVar (database versions not stated): ExAC 0.00029; gnomAD exomes 0.00039; 1000 Genomes Project 0.00140; 1000 Genomes Project 30x 0.00156.
gnomAD v4.1: 262 of 765,382 alleles (0.034%); highest among the groups gnomAD compares: East Asian, 0.15%; 1 homozygote.

Submissions (2):

PreventionGenetics, part of Exact Sciences
Classification: Uncertain significance for SNORD118-related condition. Last evaluated: 2026-07-29. Review status: criteria provided, single submitter. Criteria: ACMG Guidelines, 2015. Collection method: clinical testing. Allele origin: germline.
Comment: The SNORD118 n.45A>G is a noncoding alteration. To our knowledge, this variant has not been reported in the literature. This variant is reported in 0.13% of alleles in individuals of African descent in gnomAD. Although we suspect that this variant may be benign, at this time, the clinical significance of this variant is uncertain due to the absence of conclusive functional and genetic evidence.

Labcorp Genetics (formerly Invitae), Labcorp
Classification: Uncertain significance. Last evaluated: 2023-08-24. Review status: criteria provided, single submitter. Criteria: Invitae Variant Classification Sherloc (09022015). Collection method: clinical testing. Allele origin: germline.
Comment: This variant occurs in the SNORD118 gene, which encodes an RNA molecule that does not result in a protein product. This variant is present in population databases (rs143605147, gnomAD 0.1%), including at least one homozygous and/or hemizygous individual. This variant has not been reported in the literature in individuals affected with SNORD118-related conditions. ClinVar contains an entry for this variant (Variation ID: 1521936). Experimental studies and prediction algorithms are not available or were not evaluated, and the functional significance of this variant is currently unknown. In summary, the available evidence is currently insufficient to determine the role of this variant in disease. Therefore, it has been classified as a Variant of Uncertain Significance.